The following is an entry in ClinVar:

NM_001283009.2(RTEL1):c.2357C>G (p.Thr786Ser)

Genes: RTEL1 (regulator of telomere elongation helicase 1; plus strand), RTEL1-TNFRSF6B (RTEL1-TNFRSF6B readthrough (NMD candidate); plus strand). Cytogenetic location: 20q13.33.
Variant type: single nucleotide variant.
Coding change: c.2357C>G on transcript NM_001283009.2 (MANE Select); coding-DNA position 2357, C replaced by G.
Protein change: p.Thr786Ser; replaces threonine 786 with serine.
Molecular consequence: missense variant. On other transcripts: non-coding transcript variant (1).
Genome position (GRCh38, 1-based): chr20:63,690,385, C>G. VCF-style: chr20-63690385-C-G. GRCh37 (hg19) VCF-style: chr20-62321738-C-G.
Other names: c.1688C>G, p.Thr563Ser (NM_001283010.1); c.2357C>G, p.Thr786Ser (NM_016434.4); c.2429C>G, p.Thr810Ser (NM_032957.5); short protein forms T563S, T786S, T810S.
Identifiers: ClinVar variation 4863565 (VCV004863565.1).

ClinVar aggregate classification (germline): Uncertain significance (1 of 4 stars; one submission).

Conditions:
Inborn genetic diseases. Identifiers: MedGen C0950123, MeSH D030342.

gnomAD v4.1: 1 of 1,611,520 alleles (0.000062%); highest among the groups gnomAD compares: African/African-American, 0.0013%; no homozygotes.

Submission:

Ambry Genetics
Classification: Uncertain significance for Inborn genetic diseases. Last evaluated: 2026-04-20. Review status: criteria provided, single submitter. Criteria: Ambry Variant Classification Scheme 2023. Collection method: clinical testing. Allele origin: germline.
Comment: The p.T786S variant (also known as c.2357C>G), located in coding exon 25 of the RTEL1 gene, results from a C to G substitution at nucleotide position 2357. The threonine at codon 786 is replaced by serine, an amino acid with similar properties. This amino acid position is conserved. In addition, this alteration is predicted to be tolerated by in silico analysis. Based on the available evidence, the clinical significance of this variant remains unclear.